The following is an entry in ClinVar:

NM_007259.5(VPS45):c.58C>T (p.Pro20Ser)

Gene: VPS45 (vacuolar protein sorting 45 homolog; plus strand). Cytogenetic location: 1q21.2.
Variant type: single nucleotide variant.
Coding change: c.58C>T on transcript NM_007259.5 (MANE Select); coding-DNA position 58, C replaced by T.
Protein change: p.Pro20Ser; replaces proline 20 with serine.
Molecular consequence: missense variant. On other transcripts: 5 prime UTR variant (1), non-coding transcript variant (1), intron variant (1).
Genome position (GRCh38, 1-based): chr1:150,067,915, C>T. VCF-style: chr1-150067915-C-T. GRCh37 (hg19) VCF-style: chr1-150039972-C-T.
Other names: c.-71C>T (NM_001279354.2); c.-16+309C>T (NM_001279353.2); short protein forms P20S.
Identifiers: ClinVar variation 2075629 (VCV002075629.1), dbSNP rs2526023665, ClinGen allele CA342258125.

ClinVar aggregate classification (germline): Uncertain significance (1 of 4 stars; one submission).

Conditions:
Congenital neutropenia-myelofibrosis-nephromegaly syndrome. Also called: Severe congenital neutropenia 5, autosomal recessive. Identifiers: Orphanet 369852, MedGen C3809031, MONDO:0014118, OMIM 615285.

Allele frequency attached by ClinVar (database versions not stated): gnomAD exomes below 0.00001.
gnomAD v4.1: 2 of 1,614,154 alleles (0.00012%); highest among the groups gnomAD compares: Middle Eastern, 0.016%; no homozygotes.

Submission:

Labcorp Genetics (formerly Invitae), Labcorp
Classification: Uncertain significance for Congenital neutropenia-myelofibrosis-nephromegaly syndrome. Last evaluated: 2022-07-19. Review status: criteria provided, single submitter. Criteria: Invitae Variant Classification Sherloc (09022015). Collection method: clinical testing. Allele origin: germline.
Comment: This sequence change replaces proline, which is neutral and non-polar, with serine, which is neutral and polar, at codon 20 of the VPS45 protein (p.Pro20Ser). This variant is not present in population databases (gnomAD no frequency). This variant has not been reported in the literature in individuals affected with VPS45-related conditions. Algorithms developed to predict the effect of missense changes on protein structure and function (SIFT, PolyPhen-2, Align-GVGD) all suggest that this variant is likely to be tolerated. Algorithms developed to predict the effect of sequence changes on RNA splicing suggest that this variant may create or strengthen a splice site. In summary, the available evidence is currently insufficient to determine the role of this variant in disease. Therefore, it has been classified as a Variant of Uncertain Significance.